The following is an entry in ClinVar:

NM_004329.3(BMPR1A):c.519C>G (p.Cys173Trp)

Gene: BMPR1A (bone morphogenetic protein receptor type 1A; plus strand). Cytogenetic location: 10q23.2.
Variant type: single nucleotide variant.
Coding change: c.519C>G on transcript NM_004329.3 (MANE Select); coding-DNA position 519, C replaced by G.
Protein change: p.Cys173Trp; replaces cysteine 173 with tryptophan.
Molecular consequence: missense variant.
Genome position (GRCh38, 1-based): chr10:86,900,115, C>G. VCF-style: chr10-86900115-C-G. GRCh37 (hg19) VCF-style: chr10-88659872-C-G.
Other names: short protein forms C173W.
Identifiers: ClinVar variation 216583 (VCV000216583.25), dbSNP rs863224721, ClinGen allele CA336344.
Genomic context (GRCh38, chr10:86,900,115, plus strand): 5'-GCTGGTTTTGCTCATTTCTATGGCTGTCTGCATAATTGCTATGATCATCTTCTCCAGCTG[C>G]TTTTGTTACAAGTAAGAAGATATTTATTTTGAAGCAAAATATTTTGTCAAATATTAGATG-3'
Protein context (NP_004320.2, residues 163-183): CIIAMIIFSS[Cys173Trp]FCYKHYCKSI

ClinVar aggregate classification (germline): Uncertain significance. Review status: criteria provided, multiple submitters, no conflicts (2 of 4 stars). 6 submissions from 6 submitters: Uncertain significance (5). 1 of the submissions does not count toward it. Last evaluated 2025-05-01.

Conditions:
Juvenile polyposis syndrome (JPS). Identifiers: Orphanet 2929, MedGen C0345893, MONDO:0017380, OMIM 174900.
BMPR1A-related disorder. Also called: BMPR1A-related condition.
Hereditary cancer-predisposing syndrome. Also called: Tumor predisposition; Hereditary Cancer Syndrome; Neoplastic Syndromes, Hereditary; Hereditary neoplastic syndrome. Identifiers: Orphanet 140162, MedGen C0027672, MeSH D009386, MONDO:0015356.
Polyposis syndrome, hereditary mixed, 2. Identifiers: Orphanet 157794, MedGen C1864730, MONDO:0012405, OMIM 610069.

Allele frequency attached by ClinVar (database versions not stated): gnomAD exomes 0.00001.
gnomAD v4.1: 16 of 1,613,560 alleles (0.00099%); highest among the groups gnomAD compares: Non-Finnish European, 0.0014%; no homozygotes.

Submissions (6):

Ambry Genetics
Classification: Uncertain significance for Hereditary cancer-predisposing syndrome. Last evaluated: 2025-05-01. Review status: criteria provided, single submitter. Criteria: Ambry Variant Classification Scheme 2023. Collection method: clinical testing. Allele origin: germline.
Comment: The p.C173W variant (also known as c.519C>G), located in coding exon 5 of the BMPR1A gene, results from a C to G substitution at nucleotide position 519. The cysteine at codon 173 is replaced by tryptophan, an amino acid with highly dissimilar properties. This variant has been detected in multiple individuals with no reported features of Juvenile polyposis syndrome (JPS) (Ambry internal data). This amino acid position is well conserved in available vertebrate species. In addition, the in silico prediction for this alteration is inconclusive. Based on the available evidence, the clinical significance of this alteration remains unclear.

Color Diagnostics, LLC DBA Color Health
Classification: Uncertain significance for Hereditary cancer-predisposing syndrome. Last evaluated: 2025-03-17. Review status: criteria provided, single submitter. Criteria: ACMG Guidelines, 2015. Collection method: clinical testing. Allele origin: germline.
Comment: This missense variant replaces cysteine with tryptophan at codon 173 of the BMPR1A protein. Computational prediction suggests that this variant may not impact protein structure and function (internally defined REVEL score threshold <= 0.5, PMID: 27666373). To our knowledge, functional studies have not been reported for this variant. This variant has not been reported in individuals affected with BMPR1A-related disorders in the literature. This variant has not been identified in the general population by the Genome Aggregation Database (gnomAD). The available evidence is insufficient to determine the role of this variant in disease conclusively. Therefore, this variant is classified as a Variant of Uncertain Significance.

Labcorp Genetics (formerly Invitae), Labcorp
Classification: Uncertain significance for Juvenile polyposis syndrome. Last evaluated: 2025-01-05. Review status: criteria provided, single submitter. Criteria: Invitae Variant Classification Sherloc (09022015). Collection method: clinical testing. Allele origin: germline.
Comment: This sequence change replaces cysteine, which is neutral and slightly polar, with tryptophan, which is neutral and slightly polar, at codon 173 of the BMPR1A protein (p.Cys173Trp). This variant is not present in population databases (gnomAD no frequency). This variant has not been reported in the literature in individuals affected with BMPR1A-related conditions. ClinVar contains an entry for this variant (Variation ID: 216583). Invitae Evidence Modeling incorporating data from in vitro experimental studies (internal data) indicates that this missense variant is not expected to disrupt BMPR1A function with a negative predictive value of 95%. In summary, the available evidence is currently insufficient to determine the role of this variant in disease. Therefore, it has been classified as a Variant of Uncertain Significance.

Baylor Genetics
Classification: Uncertain significance for Polyposis syndrome, hereditary mixed, 2. Last evaluated: 2024-03-20. Review status: criteria provided, single submitter. Criteria: ACMG Guidelines, 2015. Collection method: clinical testing. Allele origin: unknown.

All of Us Research Program, National Institutes of Health
Classification: Uncertain significance for Juvenile polyposis syndrome. Last evaluated: 2023-08-28. Review status: criteria provided, single submitter. Criteria: ACMG Guidelines, 2015. Collection method: clinical testing. Allele origin: germline. Inheritance: Autosomal dominant inheritance. Observed: 2 variant alleles, 2 heterozygotes.
Comment: This missense variant replaces cysteine with tryptophan at codon 173 of the BMPR1A protein. Computational prediction suggests that this variant may not impact protein structure and function (internally defined REVEL score threshold <= 0.5, PMID: 27666373). To our knowledge, functional studies have not been reported for this variant. This variant has not been reported in individuals affected with BMPR1A-related disorders in the literature. This variant has not been identified in the general population by the Genome Aggregation Database (gnomAD). The available evidence is insufficient to determine the role of this variant in disease conclusively. Therefore, this variant is classified as a Variant of Uncertain Significance.

This study involves interpretation of variants in research participants for the purpose of population health screening. Participant phenotype was not available at the time of variant classification. Additional details can be found in publication PMID: 35346344, PMCID: PMC8962531

PreventionGenetics, part of Exact Sciences
Classification: Uncertain significance for BMPR1A-related condition. Last evaluated: 2024-08-30. Review status: no assertion criteria provided. Collection method: clinical testing. Allele origin: germline. Not counted in ClinVar's aggregate classification.
Comment: The BMPR1A c.519C>G variant is predicted to result in the amino acid substitution p.Cys173Trp. To our knowledge, this variant has not been reported in the literature or in gnomAD, indicating this variant is rare. This variant is classified as a variant of uncertain significance in ClinVar. At this time, the clinical significance of this variant is uncertain due to the absence of conclusive functional and genetic evidence.